The following is an entry in ClinVar:

ClinVar aggregate classification (germline): Uncertain significance (1 of 4 stars; one submission).

Conditions:
Ataxia-telangiectasia syndrome (AT). Also called: Ataxia-telangiectasia, complementation group D; AT, COMPLEMENTATION GROUP C; Ataxia-telangiectasia; Ataxia telangiectasia (A-T); LOUIS-BAR SYNDROME; Cerebello-oculocutaneous telangiectasia. Identifiers: Orphanet 100, MedGen C0004135, MONDO:0008840, OMIM 208900.

Submission:

Labcorp Genetics (formerly Invitae), Labcorp
Classification: Uncertain significance for Ataxia-telangiectasia syndrome. Last evaluated: 2025-11-23. Review status: criteria provided, single submitter. Criteria: Invitae Variant Classification Sherloc (09022015). Collection method: clinical testing. Allele origin: germline.
Comment: This sequence change replaces serine, which is neutral and polar, with threonine, which is neutral and polar, at codon 1281 of the ATM protein (p.Ser1281Thr). This variant is not present in population databases (gnomAD no frequency). This variant has not been reported in the literature in individuals affected with ATM-related conditions. Invitae Evidence Modeling of protein sequence and biophysical properties (such as structural, functional, and spatial information, amino acid conservation, physicochemical variation, residue mobility, and thermodynamic stability) indicates that this missense variant is not expected to disrupt ATM protein function with a negative predictive value of 95%. In summary, the available evidence is currently insufficient to determine the role of this variant in disease. Therefore, it has been classified as a Variant of Uncertain Significance.

NM_000051.4(ATM):c.3842G>C (p.Ser1281Thr)

Gene: ATM (ATM serine/threonine kinase; plus strand). Cytogenetic location: 11q22.3.
Variant type: single nucleotide variant.
Coding change: c.3842G>C on transcript NM_000051.4 (MANE Select); coding-DNA position 3842, G replaced by C.
Protein change: p.Ser1281Thr; replaces serine 1281 with threonine.
Molecular consequence: missense variant.
Genome position (GRCh38, 1-based): chr11:108,284,322, G>C. VCF-style: chr11-108284322-G-C. GRCh37 (hg19) VCF-style: chr11-108155049-G-C.
Other names: c.3842G>C, p.Ser1281Thr (NM_001351834.2); short protein forms S1281T.
Identifiers: ClinVar variation 4750639 (VCV004750639.1).